The following is an entry in ClinVar:

ClinVar aggregate classification (germline): Uncertain significance (1 of 4 stars; one submission).

Submission:

Greenwood Genetic Center Diagnostic Laboratories, Greenwood Genetic Center
Classification: Uncertain significance. Last evaluated: 2023-08-28. Review status: criteria provided, single submitter. Criteria: ACMG Guidelines, 2015. Collection method: clinical testing. Allele origin: germline. Affected: yes.
Comment: PM2, PP2

NM_001130438.3(SPTAN1):c.6986C>T (p.Ala2329Val)

Gene: SPTAN1 (spectrin alpha, non-erythrocytic 1; plus strand). Cytogenetic location: 9q34.11.
Variant type: single nucleotide variant.
Coding change: c.6986C>T on transcript NM_001130438.3 (MANE Select); coding-DNA position 6986, C replaced by T.
Protein change: p.Ala2329Val; replaces alanine 2329 with valine.
Molecular consequence: missense variant.
Genome position (GRCh38, 1-based): chr9:128,632,457, C>T. VCF-style: chr9-128632457-C-T. GRCh37 (hg19) VCF-style: chr9-131394736-C-T.
Other names: c.6911C>T, p.Ala2304Val (NM_001195532.2); c.7049C>T, p.Ala2350Val (NM_001363759.2); c.6926C>T, p.Ala2309Val (NM_001363765.2, NM_001375314.2); c.7073C>T, p.Ala2358Val (NM_001375310.1); c.6986C>T, p.Ala2329Val (NM_001375311.2); c.7022C>T, p.Ala2341Val (NM_001375312.2); c.6968C>T, p.Ala2323Val (NM_001375313.1); c.7085C>T, p.Ala2362Val (NM_001375318.1); and 1 more; short protein forms A2304V, A2309V, A2323V, A2324V, A2329V, A2341V, A2350V, A2358V.
Identifiers: ClinVar variation 2626909 (VCV002626909.1), dbSNP rs2542385703, ClinGen allele CA375099666.